The following is an entry in ClinVar:

ClinVar aggregate classification (germline): Uncertain significance (1 of 4 stars; one submission).

Submission:

GeneDx
Classification: Uncertain significance. Last evaluated: 2025-10-03. Review status: criteria provided, single submitter. Criteria: GeneDx Variant Classification Process June 2021. Collection method: clinical testing. Allele origin: germline.
Comment: Not observed at significant frequency in large population cohorts (gnomAD); Frameshift variant predicted to result in abnormal protein length as the last 47 amino acids are replaced with 15 different amino acids; Has not been previously published as pathogenic or benign to our knowledge

NM_032217.5(ANKRD17):c.7663_7670dup (p.Asn2557fs)

Gene: ANKRD17 (ankyrin repeat domain 17; minus strand). Cytogenetic location: 4q13.3.
Variant type: Duplication.
Coding change: c.7663_7670dup on transcript NM_032217.5 (MANE Select); coding-DNA positions 7663 to 7670, 8 bases duplicated (ATATTTAA; older notation c.7663_7670dupATATTTAA).
Protein change: p.Asn2557fs; shifts the reading frame from asparagine 2557.
Molecular consequence: frameshift variant.
Genome position (GRCh38, 1-based): chr4:73,077,022-73,077,029, TTAAATAT duplicated on the plus strand (ATATTTAA on the coding strand, the reverse complement: ANKRD17 is on the minus strand). VCF-style (leftmost placement, unchanged base first): chr4-73077021-A-ATTAAATAT. GRCh37 (hg19) VCF-style: chr4-73942738-A-ATTAAATAT.
Other names: c.7324_7331dup, p.Asn2444fs (NM_001286771.3); c.7660_7667dup, p.Asn2556fs (NM_015574.2); c.6910_6917dup, p.Asn2306fs (NM_198889.3); short protein forms N2306fs, N2444fs, N2556fs, N2557fs.
Identifiers: ClinVar variation 3391802 (VCV003391802.2).